The following is an entry in ClinVar:

ClinVar aggregate classification (germline): Likely pathogenic (1 of 4 stars; one submission).

Conditions:
Fanconi anemia (FA). Also called: Fanconi's anemia. Identifiers: Orphanet 84, MedGen C0015625, MeSH D005199, MONDO:0019391.

Submission:

Labcorp Genetics (formerly Invitae), Labcorp
Classification: Likely pathogenic for Fanconi anemia. Last evaluated: 2024-01-21. Review status: criteria provided, single submitter. Criteria: Invitae Variant Classification Sherloc (09022015). Collection method: clinical testing. Allele origin: germline.
Comment: This variant results in a copy number gain of the genomic region encompassing exon(s) 13 of the SLX4 gene. While the exact position of this variant cannot be determined from the data, sub-genic copy number gains are generally in tandem (PMID: 25640679). This variant is predicted to be out-of-frame, and may result in an absent or disrupted protein product. Loss-of-function variants in SLX4 are known to be pathogenic (PMID: 21240277). This variant has not been reported in the literature in individuals affected with SLX4-related conditions. In summary, the currently available evidence indicates that the variant is pathogenic, but additional data are needed to prove that conclusively. Therefore, this variant has been classified as Likely Pathogenic.

Literature cited by the submitters: PubMed 25640679; PubMed 21240277.

NC_000016.9:g.(?_3634750)_(3634892_?)dup

Gene: SLX4 (SLX4 structure-specific endonuclease subunit; minus strand). Cytogenetic location: 16p13.3.
Variant type: Duplication.
Identifiers: ClinVar variation 1345075 (VCV001345075.5).